The following is an entry in ClinVar:

ClinVar aggregate classification (germline): Likely benign (1 of 4 stars; one submission).

gnomAD v4.1: 6 of 1,613,982 alleles (0.00037%); highest among the groups gnomAD compares: Admixed American, 0.01%; no homozygotes.

Submission:

CeGaT Center for Human Genetics Tuebingen
Classification: Likely benign. Last evaluated: 2025-12-01. Review status: criteria provided, single submitter. Criteria: CeGaT Center For Human Genetics Tuebingen Variant Classification Criteria Version 2. Collection method: clinical testing. Allele origin: germline. Affected: yes. Observed: 1 variant allele.
Comment: KAT8: BP4, BP7

NM_032188.3(KAT8):c.705C>G (p.Pro235=)

Gene: KAT8 (lysine acetyltransferase 8; plus strand). Cytogenetic location: 16p11.2.
Variant type: single nucleotide variant.
Coding change: c.705C>G on transcript NM_032188.3 (MANE Select); coding-DNA position 705, C replaced by G.
Protein change: p.Pro235=; no amino-acid change (proline 235 retained).
Molecular consequence: synonymous variant.
Genome position (GRCh38, 1-based): chr16:31,128,073, C>G. VCF-style: chr16-31128073-C-G. GRCh37 (hg19) VCF-style: chr16-31139394-C-G.
Other names: c.705C>G, p.Pro235= (NM_182958.4).
Identifiers: ClinVar variation 4681935 (VCV004681935.5).